The following is an entry in ClinVar:

ClinVar aggregate classification (germline): Pathogenic/Likely pathogenic. Review status: criteria provided, multiple submitters, no conflicts (2 of 4 stars). 4 submissions from 4 submitters: Pathogenic (1); Likely pathogenic (2). 1 of the submissions does not count toward it. Last evaluated 2026-06-12.

Conditions:
Common craniosynostosis syndromes.
Saethre-Chotzen syndrome (SCS). Also called: CHOTZEN SYNDROME; ACROCEPHALY, SKULL ASYMMETRY, AND MILD SYNDACTYLY; ACS III. Identifiers: Orphanet 794, MedGen C0175699, MONDO:0007042, OMIM 101400.
TWIST1-related craniosynostosis (CRS1). Also called: CRANIOSYNOSTOSIS 1. Identifiers: Orphanet 63440, MedGen C4551902, MONDO:0007399, OMIM 123100. Inheritance: Heterogenous inheritance pattern.

Submissions (4):

Genetics Laboratory, Great Ormond Street Hospital NHS Foundation Trust, North Thames Genomic Laboratory Hub
Classification: Likely pathogenic for Common craniosynostosis syndromes. Last evaluated: 2026-06-12. Review status: criteria provided, single submitter. Criteria: ACGS Best Practice Guidelines for Variant Classification in Rare Disease 2024 v1.2. Collection method: clinical testing. Allele origin: germline. Affected: yes.
Comment: PS4_moderate, PM2_moderate, PP3_supporting, PP4_moderate

Labcorp Genetics (formerly Invitae), Labcorp
Classification: Likely pathogenic for TWIST1-related craniosynostosis; Saethre-Chotzen syndrome. Last evaluated: 2022-02-01. Review status: criteria provided, single submitter. Criteria: Invitae Variant Classification Sherloc (09022015). Collection method: clinical testing. Allele origin: germline.
Comment: Algorithms developed to predict the effect of sequence changes on RNA splicing suggest that this variant may create or strengthen a splice site. Algorithms developed to predict the effect of missense changes on protein structure and function are either unavailable or do not agree on the potential impact of this missense change (SIFT: "Deleterious"; PolyPhen-2: "Probably Damaging"; Align-GVGD: "Class C0"). ClinVar contains an entry for this variant (Variation ID: 7982). This missense change has been observed in individual(s) with TWIST1-related conditions (PMID: 11754069, 31754721). This variant is not present in population databases (gnomAD no frequency). This sequence change replaces isoleucine, which is neutral and non-polar, with valine, which is neutral and non-polar, at codon 156 of the TWIST1 protein (p.Ile156Val). This variant disrupts the p.Ile156 amino acid residue in TWIST1. Other variant(s) that disrupt this residue have been determined to be pathogenic (Invitae). This suggests that this residue is clinically significant, and that variants that disrupt this residue are likely to be disease-causing. In summary, the currently available evidence indicates that the variant is pathogenic, but additional data are needed to prove that conclusively. Therefore, this variant has been classified as Likely Pathogenic.

Department of Medical Genetics, Oslo University Hospital
Classification: Pathogenic for Saethre-Chotzen syndrome. Review status: criteria provided, single submitter. Criteria: ACMG Guidelines, 2015. Collection method: clinical testing. Allele origin: germline. Affected: yes. Observed: 1 variant allele, 1 heterozygote.

OMIM
Classification: Pathogenic for SAETHRE-CHOTZEN SYNDROME. Last evaluated: 2001-12-15. Review status: no assertion criteria provided. Collection method: literature only. Allele origin: germline. Not counted in ClinVar's aggregate classification.

Literature cited by the submitters: PubMed 11754069 (cited by Labcorp Genetics (formerly Invitae), Labcorp and OMIM); PubMed 31754721 (cited by Labcorp Genetics (formerly Invitae), Labcorp).

NM_000474.4(TWIST1):c.466A>G (p.Ile156Val)

Genes: TWIST1 (twist family bHLH transcription factor 1; minus strand), LOC129998021 (ATAC-STARR-seq lymphoblastoid active region 25682; plus strand). Cytogenetic location: 7p21.1.
Variant type: single nucleotide variant.
Coding change: c.466A>G on transcript NM_000474.4 (MANE Select); coding-DNA position 466, A replaced by G.
Protein change: p.Ile156Val; replaces isoleucine 156 with valine.
Molecular consequence: missense variant. On other transcripts: non-coding transcript variant (1).
Genome position (GRCh38, 1-based): chr7:19,116,856, T>C on the plus strand (A>G on the coding strand, the complement: TWIST1 is on the minus strand). VCF-style: chr7-19116856-T-C. GRCh37 (hg19) VCF-style: chr7-19156479-T-C.
Other names: short protein forms I156V.
Identifiers: ClinVar variation 7982 (VCV000007982.10), dbSNP rs104894059, ClinGen allele CA254294.